The following is an entry in ClinVar:

ClinVar aggregate classification (germline): Likely pathogenic (1 of 4 stars; one submission).

Conditions:
Short stature and advanced bone age, with or without early-onset osteoarthritis and/or osteochondritis dissecans (SSOAOD). Identifiers: Orphanet 251262, MedGen C3665488, MONDO:0100462, OMIM 165800.

Submission:

Juno Genomics, Hangzhou Juno Genomics, Inc
Classification: Likely pathogenic for Short stature and advanced bone age, with or without early-onset osteoarthritis and/or osteochondritis dissecans. Review status: criteria provided, single submitter. Criteria: ACMG Guidelines, 2015. Collection method: clinical testing. Allele origin: germline.
Comment: Null variant in a gene where loss of function (LOF) is a known mechanism of disease.;Absent from controls (or at extremely low frequency if recessive) in Genome Aggregation Database.

NM_001369268.1(ACAN):c.6955G>T (p.Glu2319Ter)

Gene: ACAN (aggrecan; plus strand). Cytogenetic location: 15q26.1.
Variant type: single nucleotide variant.
Coding change: c.6955G>T on transcript NM_001369268.1 (MANE Select); coding-DNA position 6955, G replaced by T.
Protein change: p.Glu2319Ter; replaces glutamic acid 2319 with a stop codon.
Molecular consequence: nonsense. On other transcripts: intron variant (3).
Genome position (GRCh38, 1-based): chr15:88,868,224, G>T. VCF-style: chr15-88868224-G-T. GRCh37 (hg19) VCF-style: chr15-89411455-G-T.
Other names: c.6841G>T, p.Glu2281Ter (NM_001411097.1); c.6947-3158G>T (NM_013227.4); c.6833-3158G>T (NM_001411096.1, NM_001135.4); short protein forms E2281*, E2319*.
Identifiers: ClinVar variation 5005472 (VCV005005472.2).